The following is an entry in ClinVar:

NM_005751.5(AKAP9):c.4277del (p.Thr1426fs)

Gene: AKAP9 (A-kinase anchoring protein 9; plus strand). Cytogenetic location: 7q21.2.
Variant type: Deletion.
Coding change: c.4277del on transcript NM_005751.5 (MANE Select); coding-DNA position 4277, one base deleted (C; older notation c.4277delC).
Protein change: p.Thr1426fs; shifts the reading frame from threonine 1426.
Molecular consequence: frameshift variant.
Genome position (GRCh38, 1-based): chr7:92,031,543, C deleted. VCF-style (leftmost placement, unchanged base first): chr7-92031542-AC-A. GRCh37 (hg19) VCF-style: chr7-91660856-AC-A.
Other names: c.4277del, p.Thr1426fs (NM_147185.3); short protein forms T1426fs.
Identifiers: ClinVar variation 1479553 (VCV001479553.6), dbSNP rs2130757330, ClinGen allele CA2573142520.

ClinVar aggregate classification (germline): Uncertain significance (1 of 4 stars; one submission).

Conditions:
Long QT syndrome (LQTS). Identifiers: MedGen C0023976, MeSH D008133, MONDO:0002442. Disease mechanism: loss of function. Inheritance: Various modes of inheritance.

Submission:

Labcorp Genetics (formerly Invitae), Labcorp
Classification: Uncertain significance for Long QT syndrome. Last evaluated: 2022-08-09. Review status: criteria provided, single submitter. Criteria: Invitae Variant Classification Sherloc (09022015). Collection method: clinical testing. Allele origin: germline.
Comment: This sequence change creates a premature translational stop signal (p.Thr1426Lysfs*15) in the AKAP9 gene. It is expected to result in an absent or disrupted protein product. However, the current clinical and genetic evidence is not sufficient to establish whether loss-of-function variants in AKAP9 cause disease. In summary, the available evidence is currently insufficient to determine the role of this variant in disease. Therefore, it has been classified as a Variant of Uncertain Significance. ClinVar contains an entry for this variant (Variation ID: 1479553). This variant has not been reported in the literature in individuals affected with AKAP9-related conditions. This variant is not present in population databases (gnomAD no frequency).